The following is an entry in ClinVar:

ClinVar aggregate classification (germline): Uncertain significance. Review status: criteria provided, multiple submitters, no conflicts (2 of 4 stars). 2 submissions from 2 submitters: Uncertain significance (2). Last evaluated 2025-06-17.

Allele frequency attached by ClinVar (database versions not stated): gnomAD exomes below 0.00001; gnomAD 0.00001; TOPMed 0.00001.
gnomAD v4.1: 6 of 1,554,882 alleles (0.00039%); highest among the groups gnomAD compares: Admixed American, 0.002%; no homozygotes.

Submissions (2):

GeneDx
Classification: Uncertain significance. Last evaluated: 2025-06-17. Review status: criteria provided, single submitter. Criteria: GeneDx Variant Classification Process June 2021. Collection method: clinical testing. Allele origin: germline. Affected: yes.
Comment: Not observed at significant frequency in large population cohorts (gnomAD); Missense variant in a gene in which most reported pathogenic variants are truncating/loss of function; Has not been previously published as pathogenic or benign to our knowledge

Revvity Omics, Revvity
Classification: Uncertain significance. Last evaluated: 2019-08-30. Review status: criteria provided, single submitter. Criteria: ACMG Guidelines, 2015. Collection method: clinical testing. Allele origin: germline.

NM_001267550.2(TTN):c.56376A>G (p.Ile18792Met)

Genes: TTN (titin; minus strand), TTN-AS1 (TTN antisense RNA 1; plus strand). Cytogenetic location: 2q31.2.
Variant type: single nucleotide variant.
Coding change: c.56376A>G on transcript NM_001267550.2 (MANE Select); coding-DNA position 56376, A replaced by G.
Protein change: p.Ile18792Met; replaces isoleucine 18792 with methionine.
Molecular consequence: missense variant.
Genome position (GRCh38, 1-based): chr2:178,599,417, T>C on the plus strand (A>G on the coding strand, the complement: TTN is on the minus strand). VCF-style: chr2-178599417-T-C. GRCh37 (hg19) VCF-style: chr2-179464144-T-C.
Other names: p.I17151M:ATA>ATG; c.56376A>G (NM_001267550.1); c.51453A>G, p.Ile17151Met (NM_001256850.1); c.29181A>G, p.Ile9727Met (NM_003319.4); c.48672A>G, p.Ile16224Met (NM_133378.4); c.29556A>G, p.Ile9852Met (NM_133432.3); c.29757A>G, p.Ile9919Met (NM_133437.4); short protein forms I17151M, I18792M, I16224M, I9727M, I9852M, I9919M.
Identifiers: ClinVar variation 202311 (VCV000202311.5), dbSNP rs794729241, ClinGen allele CA309049.
Genomic context (GRCh38, chr2:178,599,417, plus strand): 5'-ATCATCTTTAGGTGGAAACCAAGATAGTGTCATTTGATCTGCTGAAACAGATTCAAATTT[T>C]ATGGGTCCCACTGGAGGGCCAGGACGACCTAAAATGGTTTAAAGAAGGAACCCTTTATCA-3'
Protein context (NP_001254479.2, residues 18782-18802): LGRPGPPVGP[Ile18792Met]KFESVSADQM